The following is an entry in ClinVar:

NM_032040.5(CCDC8):c.290A>G (p.Tyr97Cys)

Gene: CCDC8 (coiled-coil domain containing 8 subunit of 3M complex; minus strand). Cytogenetic location: 19q13.32.
Variant type: single nucleotide variant.
Coding change: c.290A>G on transcript NM_032040.5 (MANE Select); coding-DNA position 290, A replaced by G.
Protein change: p.Tyr97Cys; replaces tyrosine 97 with cysteine.
Molecular consequence: missense variant.
Genome position (GRCh38, 1-based): chr19:46,412,521, T>C on the plus strand (A>G on the coding strand, the complement: CCDC8 is on the minus strand). VCF-style: chr19-46412521-T-C. GRCh37 (hg19) VCF-style: chr19-46915778-T-C.
Other names: short protein forms Y97C.
Identifiers: ClinVar variation 2791615 (VCV002791615.3), dbSNP rs2513602639, ClinGen allele CA406463684.

ClinVar aggregate classification (germline): Uncertain significance (1 of 4 stars; one submission).

Submission:

Labcorp Genetics (formerly Invitae), Labcorp
Classification: Uncertain significance. Last evaluated: 2023-03-17. Review status: criteria provided, single submitter. Criteria: Invitae Variant Classification Sherloc (09022015). Collection method: clinical testing. Allele origin: germline.
Comment: This sequence change replaces tyrosine, which is neutral and polar, with cysteine, which is neutral and slightly polar, at codon 97 of the CCDC8 protein (p.Tyr97Cys). This variant is not present in population databases (gnomAD no frequency). This variant has not been reported in the literature in individuals affected with CCDC8-related conditions. An algorithm developed to predict the effect of missense changes on protein structure and function (PolyPhen-2) suggests that this variant is likely to be disruptive. In summary, the available evidence is currently insufficient to determine the role of this variant in disease. Therefore, it has been classified as a Variant of Uncertain Significance.